The following is an entry in ClinVar:

NM_005591.4(MRE11):c.976C>T (p.Pro326Ser)

Gene: MRE11 (MRE11 double strand break repair nuclease; minus strand). Cytogenetic location: 11q21.
Variant type: single nucleotide variant.
Coding change: c.976C>T on transcript NM_005591.4 (MANE Select); coding-DNA position 976, C replaced by T.
Protein change: p.Pro326Ser; replaces proline 326 with serine.
Molecular consequence: missense variant.
Genome position (GRCh38, 1-based): chr11:94,470,512, G>A on the plus strand (C>T on the coding strand, the complement: MRE11 is on the minus strand). VCF-style: chr11-94470512-G-A. GRCh37 (hg19) VCF-style: chr11-94203678-G-A.
Other names: c.976C>T, p.Pro326Ser (NM_001330347.2, NM_005590.4); short protein forms P326S.
Identifiers: ClinVar variation 823470 (VCV000823470.5), dbSNP rs1591692503, ClinGen allele CA382374268.

ClinVar aggregate classification (germline): Uncertain significance (1 of 4 stars; one submission).

Conditions:
Hereditary cancer-predisposing syndrome. Also called: Tumor predisposition; Hereditary Cancer Syndrome; Neoplastic Syndromes, Hereditary; Hereditary neoplastic syndrome. Identifiers: Orphanet 140162, MedGen C0027672, MeSH D009386, MONDO:0015356.

Allele frequency attached by ClinVar (database versions not stated): gnomAD exomes below 0.00001; TOPMed below 0.00001.
gnomAD v4.1: 2 of 1,613,034 alleles (0.00012%); highest among the groups gnomAD compares: Non-Finnish European, 0.00017%; no homozygotes.

Submission:

Ambry Genetics
Classification: Uncertain significance for Hereditary cancer-predisposing syndrome. Last evaluated: 2025-05-18. Review status: criteria provided, single submitter. Criteria: Ambry Variant Classification Scheme 2023. Collection method: clinical testing. Allele origin: germline.
Comment: The p.P326S variant (also known as c.976C>T), located in coding exon 8 of the MRE11A gene, results from a C to T substitution at nucleotide position 976. The proline at codon 326 is replaced by serine, an amino acid with similar properties. This amino acid position is well conserved in available vertebrate species. In addition, the in silico prediction for this alteration is inconclusive. Since supporting evidence is limited at this time, the clinical significance of this alteration remains unclear.